The following is an entry in ClinVar:

NM_001256789.3(CACNA1F):c.4756del (p.Arg1586fs)

Genes: CACNA1F (calcium voltage-gated channel subunit alpha1 F; minus strand), LOC126863257 (BRD4-independent group 4 enhancer GRCh37_chrX:49065732-49066931; plus strand). Cytogenetic location: Xp11.23.
Variant type: Deletion.
Coding change: c.4756del on transcript NM_001256789.3 (MANE Select); coding-DNA position 4756, one base deleted (C; older notation c.4756delC).
Protein change: p.Arg1586fs; shifts the reading frame from arginine 1586.
Molecular consequence: frameshift variant.
Genome position (GRCh38, 1-based): chrX:49,209,694, G deleted on the plus strand (C on the coding strand, the reverse complement: CACNA1F is on the minus strand); the first of 2 consecutive G bases (chrX:49,209,694-49,209,695); deleting either gives the same sequence. VCF-style (leftmost placement, unchanged base first): chrX-49209693-CG-C. GRCh37 (hg19) VCF-style: chrX-49066153-CG-C.
Other names: c.4594del, p.Arg1532fs (NM_001256790.3); c.4789del, p.Arg1597fs (NM_005183.4); short protein forms R1532fs, R1586fs, R1597fs.
Identifiers: ClinVar variation 5038003 (VCV005038003.2).

ClinVar aggregate classification (germline): Likely pathogenic (1 of 4 stars; one submission).

Conditions:
Aland island eye disease (AIED). Also called: Forsius Eriksson type ocular albinism. Identifiers: Orphanet 178333, MedGen C0268505, MONDO:0010371, OMIM 300600.
X-linked cone-rod dystrophy 3 (CORDX3). Identifiers: Orphanet 1872, MedGen C1845407, MONDO:0010335, OMIM 300476.
Congenital stationary night blindness 2A (CSNB2A). Also called: Night blindness, congenital stationary (incomplete), 2A, X-linked; CACNA1F-Related X-Linked Congenital Stationary Night Blindness; NIGHT BLINDNESS, CONGENITAL STATIONARY, TYPE 2; CSNB, INCOMPLETE, X-LINKED. Identifiers: Orphanet 215, MedGen C1848172, MONDO:0010241, OMIM 300071.

Submission:

Juno Genomics, Hangzhou Juno Genomics, Inc
Classification: Likely pathogenic for Aland island eye disease; X-linked cone-rod dystrophy 3; Congenital stationary night blindness 2A. Review status: criteria provided, single submitter. Criteria: ACMG Guidelines, 2015. Collection method: clinical testing. Allele origin: germline.
Comment: Absent from controls (or at extremely low frequency if recessive) in Genome Aggregation Database.;Null variant in a gene where loss of function (LOF) is a known mechanism of disease.